The following is an entry in ClinVar:

NM_006059.4(LAMC3):c.4501C>T (p.Pro1501Ser)

Gene: LAMC3 (laminin subunit gamma 3; plus strand). Cytogenetic location: 9q34.12.
Variant type: single nucleotide variant.
Coding change: c.4501C>T on transcript NM_006059.4 (MANE Select); coding-DNA position 4501, C replaced by T.
Protein change: p.Pro1501Ser; replaces proline 1501 with serine.
Molecular consequence: missense variant.
Genome position (GRCh38, 1-based): chr9:131,091,560, C>T. VCF-style: chr9-131091560-C-T. GRCh37 (hg19) VCF-style: chr9-133966947-C-T.
Other names: short protein forms P1501S.
Identifiers: ClinVar variation 2100064 (VCV002100064.4), dbSNP rs1449330830, ClinGen allele CA375266837.

ClinVar aggregate classification (germline): Uncertain significance (1 of 4 stars; one submission).

Submission:

Labcorp Genetics (formerly Invitae), Labcorp
Classification: Uncertain significance. Last evaluated: 2022-05-15. Review status: criteria provided, single submitter. Criteria: Invitae Variant Classification Sherloc (09022015). Collection method: clinical testing. Allele origin: germline.
Comment: Algorithms developed to predict the effect of missense changes on protein structure and function (SIFT, PolyPhen-2, Align-GVGD) all suggest that this variant is likely to be tolerated. In summary, the available evidence is currently insufficient to determine the role of this variant in disease. Therefore, it has been classified as a Variant of Uncertain Significance. This variant has not been reported in the literature in individuals affected with LAMC3-related conditions. This variant is not present in population databases (gnomAD no frequency). This sequence change replaces proline, which is neutral and non-polar, with serine, which is neutral and polar, at codon 1501 of the LAMC3 protein (p.Pro1501Ser).